The following is an entry in ClinVar:

NM_012330.4(KAT6B):c.830T>A (p.Val277Asp)

Gene: KAT6B (lysine acetyltransferase 6B; plus strand). Cytogenetic location: 10q22.2.
Variant type: single nucleotide variant.
Coding change: c.830T>A on transcript NM_012330.4 (MANE Select); coding-DNA position 830, T replaced by A.
Protein change: p.Val277Asp; replaces valine 277 with aspartic acid.
Molecular consequence: missense variant. On other transcripts: intron variant (2).
Genome position (GRCh38, 1-based): chr10:74,969,759, T>A. VCF-style: chr10-74969759-T-A. GRCh37 (hg19) VCF-style: chr10-76729517-T-A.
Other names: c.830T>A, p.Val277Asp (NM_001256468.2, NM_001256469.2, NM_001370132.1 and 10 more transcripts); c.193-9465T>A (NM_001370134.1); c.192+9681T>A (NM_001370135.1); short protein forms V277D.
Identifiers: ClinVar variation 2444757 (VCV002444757.1), dbSNP rs2548921119, ClinGen allele CA377282023.

ClinVar aggregate classification (germline): Uncertain significance (1 of 4 stars; one submission).

Submission:

GeneDx
Classification: Uncertain significance. Last evaluated: 2022-09-16. Review status: criteria provided, single submitter. Criteria: GeneDx Variant Classification Process June 2021. Collection method: clinical testing. Allele origin: germline. Affected: yes.
Comment: Not observed at significant frequency in large population cohorts (gnomAD); In silico analysis supports that this missense variant does not alter protein structure/function; Has not been previously published as pathogenic or benign to our knowledge